The following is an entry in ClinVar:

ClinVar aggregate classification (germline): Uncertain significance. Review status: criteria provided, single submitter (1 of 4 stars). 2 submissions from 2 submitters: Uncertain significance (1). 1 of the submissions does not count toward it. Last evaluated 2025-09-01.

Conditions:
COPA-related disorder. Also called: COPA-related condition.

Allele frequency attached by ClinVar (database versions not stated): ExAC 0.00001.

Submissions (2):

CeGaT Center for Human Genetics Tuebingen
Classification: Uncertain significance. Last evaluated: 2025-09-01. Review status: criteria provided, single submitter. Criteria: CeGaT Center For Human Genetics Tuebingen Variant Classification Criteria Version 2. Collection method: clinical testing. Allele origin: germline. Affected: yes. Observed: 1 variant allele.
Comment: COPA: PM2, BP4

PreventionGenetics, part of Exact Sciences
Classification: Uncertain significance for COPA-related condition. Last evaluated: 2023-12-11. Review status: no assertion criteria provided. Collection method: clinical testing. Allele origin: germline. Not counted in ClinVar's aggregate classification.
Comment: The COPA c.2693C>A variant is predicted to result in the amino acid substitution p.Ala898Glu. To our knowledge, this variant has not been reported in the literature. This variant is reported in 0.00092% of alleles in individuals of European (non-Finnish) descent in gnomAD. At this time, the clinical significance of this variant is uncertain due to the absence of conclusive functional and genetic evidence.

NM_004371.4(COPA):c.2693C>A (p.Ala898Glu)

Gene: COPA (coat protein complex I subunit alpha; minus strand). Cytogenetic location: 1q23.2.
Variant type: single nucleotide variant.
Coding change: c.2693C>A on transcript NM_004371.4 (MANE Select); coding-DNA position 2693, C replaced by A.
Protein change: p.Ala898Glu; replaces alanine 898 with glutamic acid.
Molecular consequence: missense variant.
Genome position (GRCh38, 1-based): chr1:160,293,447, G>T on the plus strand (C>A on the coding strand, the complement: COPA is on the minus strand). VCF-style: chr1-160293447-G-T. GRCh37 (hg19) VCF-style: chr1-160263237-G-T.
Other names: c.2720C>A, p.Ala907Glu (NM_001098398.2); short protein forms A898E, A907E.
Identifiers: ClinVar variation 2635841 (VCV002635841.10), dbSNP rs779531855, ClinGen allele CA1197809.